The following is an entry in ClinVar:

NM_006922.4(SCN3A):c.5970C>G (p.Ser1990Arg)

Gene: SCN3A (sodium voltage-gated channel alpha subunit 3; minus strand). Cytogenetic location: 2q24.3.
Variant type: single nucleotide variant.
Coding change: c.5970C>G on transcript NM_006922.4 (MANE Select); coding-DNA position 5970, C replaced by G.
Protein change: p.Ser1990Arg; replaces serine 1990 with arginine.
Molecular consequence: missense variant.
Genome position (GRCh38, 1-based): chr2:165,090,183, G>C on the plus strand (C>G on the coding strand, the complement: SCN3A is on the minus strand). VCF-style: chr2-165090183-G-C. GRCh37 (hg19) VCF-style: chr2-165946693-G-C.
Other names: c.5823C>G, p.Ser1941Arg (NM_001081676.2, NM_001081677.2); short protein forms S1941R, S1990R.
Identifiers: ClinVar variation 2446096 (VCV002446096.2), dbSNP rs1168951292, ClinGen allele CA349008915.

ClinVar aggregate classification (germline): Uncertain significance. Review status: criteria provided, multiple submitters, no conflicts (2 of 4 stars). 2 submissions from 2 submitters: Uncertain significance (2). Last evaluated 2025-05-20.

Conditions:
Developmental and epileptic encephalopathy, 62. Also called: Early infantile epileptic encephalopathy 62. Identifiers: MedGen C4693699, MONDO:0033371, OMIM 617938.

Allele frequency attached by ClinVar (database versions not stated): TOPMed below 0.00001.

Submissions (2):

3billion
Classification: Uncertain significance for Developmental and epileptic encephalopathy, 62. Last evaluated: 2025-05-20. Review status: criteria provided, single submitter. Criteria: ACMG Guidelines, 2015. Collection method: clinical testing. Allele origin: germline. Affected: yes.
Comment: The variant is not observed in the gnomAD v4.1.0 dataset. Predicted Consequence/Location: Missense variant. Missense changes are a common disease-causing mechanism. In silico tool predictions suggest no damaging effect of the variant on gene or gene product [REVEL: 0.22 (<0.4); 3Cnet: 0.00 (<0.1, specificity 0.84 and negative predicitive value 0.97)]. The variant has been reported as of uncertain significance (ClinVar ID: VCV002446096;Different missense changes at the same codon have been reported as of uncertain significance (ClinVar ID: VCV001977509). Therefore, this variant is classified as VUS according to the recommendation of ACMG/AMP guideline.

GeneDx
Classification: Uncertain significance. Last evaluated: 2022-09-26. Review status: criteria provided, single submitter. Criteria: GeneDx Variant Classification Process June 2021. Collection method: clinical testing. Allele origin: germline. Affected: yes.
Comment: Not observed at significant frequency in large population cohorts (gnomAD); In silico analysis supports that this missense variant does not alter protein structure/function; Has not been previously published as pathogenic or benign to our knowledge